The following is an entry in ClinVar:

ClinVar aggregate classification (germline): Uncertain significance. Review status: criteria provided, multiple submitters, no conflicts (2 of 4 stars). 2 submissions from 2 submitters: Uncertain significance (2). Last evaluated 2025-03-27.

Conditions:
Myopathy, centronuclear, 5 (CNM5). Identifiers: Orphanet 169186, MedGen C4014814, MONDO:0014418, OMIM 615959.

Allele frequency attached by ClinVar (database versions not stated): TOPMed below 0.00001; gnomAD 0.00001; gnomAD exomes 0.00003.
gnomAD v4.1: 39 of 1,560,668 alleles (0.0025%); highest among the groups gnomAD compares: Non-Finnish European, 0.0032%; no homozygotes.

Submissions (2):

Labcorp Genetics (formerly Invitae), Labcorp
Classification: Uncertain significance. Last evaluated: 2025-03-27. Review status: criteria provided, single submitter. Criteria: Invitae Variant Classification Sherloc (09022015). Collection method: clinical testing. Allele origin: germline.
Comment: This sequence change replaces serine, which is neutral and polar, with asparagine, which is neutral and polar, at codon 791 of the SPEG protein (p.Ser791Asn). The frequency data for this variant in the population databases is considered unreliable, as metrics indicate poor data quality at this position in the gnomAD database. This variant has not been reported in the literature in individuals affected with SPEG-related conditions. ClinVar contains an entry for this variant (Variation ID: 2690063). An algorithm developed to predict the effect of missense changes on protein structure and function outputs the following: PolyPhen-2: "Benign". The asparagine amino acid residue is found in multiple mammalian species, which suggests that this missense change does not adversely affect protein function. In summary, the available evidence is currently insufficient to determine the role of this variant in disease. Therefore, it has been classified as a Variant of Uncertain Significance.

Revvity Omics, Revvity
Classification: Uncertain significance for Myopathy, centronuclear, 5. Last evaluated: 2023-03-24. Review status: criteria provided, single submitter. Criteria: ACMG Guidelines, 2015. Collection method: clinical testing. Allele origin: germline.

NM_005876.5(SPEG):c.2372G>A (p.Ser791Asn)

Gene: SPEG (striated muscle enriched protein kinase; plus strand). Cytogenetic location: 2q35.
Variant type: single nucleotide variant.
Coding change: c.2372G>A on transcript NM_005876.5 (MANE Select); coding-DNA position 2372, G replaced by A.
Protein change: p.Ser791Asn; replaces serine 791 with asparagine.
Molecular consequence: missense variant.
Genome position (GRCh38, 1-based): chr2:219,451,739, G>A. VCF-style: chr2-219451739-G-A. GRCh37 (hg19) VCF-style: chr2-220316461-G-A.
Other names: short protein forms S791N.
Identifiers: ClinVar variation 2690063 (VCV002690063.3), dbSNP rs1319052723, ClinGen allele CA350731134.
Genomic context (GRCh38, chr2:219,451,739, plus strand): 5'-GGGCTGAGGGTGAGCGGCACACCCTGCTGCTCAGGGAGGCCAGGGCAGCAGATGCCGGGA[G>A]CTATATGGCCACCGCCACCAACGAGCTGGGCCAGGCCACCTGTGCCGCCTCACTGACCGT-3'
Protein context (NP_005867.3, residues 781-801): LREARAADAG[Ser791Asn]YMATATNELG